The following is an entry in ClinVar:

NM_001267550.2(TTN):c.75696T>C (p.Asp25232=)

Genes: TTN (titin; minus strand), TTN-AS1 (TTN antisense RNA 1; plus strand). Cytogenetic location: 2q31.2.
Variant type: single nucleotide variant.
Coding change: c.75696T>C on transcript NM_001267550.2 (MANE Select); coding-DNA position 75696, T replaced by C.
Protein change: p.Asp25232=; no amino-acid change (aspartic acid 25232 retained).
Molecular consequence: synonymous variant.
Genome position (GRCh38, 1-based): chr2:178,570,436, A>G on the plus strand (T>C on the coding strand, the complement: TTN is on the minus strand). VCF-style: chr2-178570436-A-G. GRCh37 (hg19) VCF-style: chr2-179435163-A-G.
Other names: c.70773T>C, p.Asp23591= (NM_001256850.1); c.48501T>C, p.Asp16167= (NM_003319.4); c.67992T>C, p.Asp22664= (NM_133378.4); c.48876T>C, p.Asp16292= (NM_133432.3); c.49077T>C, p.Asp16359= (NM_133437.4).
Identifiers: ClinVar variation 264576 (VCV000264576.17), dbSNP rs199935312, ClinGen allele CA10587479.

ClinVar aggregate classification (germline): Likely benign. Review status: criteria provided, multiple submitters, no conflicts (2 of 4 stars). 4 submissions from 4 submitters: Likely benign (4). Last evaluated 2026-01-13.

Conditions:
Cardiovascular phenotype. Identifiers: MedGen CN230736.
Autosomal recessive limb-girdle muscular dystrophy type 2J (LGMDR10). Also called: Limb-girdle muscular dystrophy, type 2J; MUSCULAR DYSTROPHY, LIMB-GIRDLE, AUTOSOMAL RECESSIVE 10. Identifiers: Orphanet 140922, MedGen C1837342, MONDO:0012127, OMIM 608807.
Dilated cardiomyopathy 1G (CMD1G). Identifiers: Orphanet 154, MedGen C1858763, MONDO:0011400, OMIM 604145.

Allele frequency attached by ClinVar (database versions not stated): gnomAD exomes 0.00001; TOPMed 0.00002; gnomAD 0.00001.
gnomAD v4.1: 70 of 1,613,088 alleles (0.0043%); highest among the groups gnomAD compares: Non-Finnish European, 0.0058%; no homozygotes.

Submissions (4):

Labcorp Genetics (formerly Invitae), Labcorp
Classification: Likely benign for Dilated cardiomyopathy 1G; Autosomal recessive limb-girdle muscular dystrophy type 2J. Last evaluated: 2026-01-13. Review status: criteria provided, single submitter. Criteria: Invitae Variant Classification Sherloc (09022015). Collection method: clinical testing. Allele origin: germline.

Blueprint Genetics
Classification: Likely benign. Last evaluated: 2024-02-14. Review status: criteria provided, single submitter. Criteria: ACMG Guidelines, 2015. Collection method: clinical testing. Allele origin: germline.

GeneDx
Classification: Likely benign. Last evaluated: 2016-10-04. Review status: criteria provided, single submitter. Criteria: GeneDx Variant Classification (06012015). Collection method: clinical testing. Allele origin: germline. Affected: yes.
Comment: This variant is considered likely benign or benign based on one or more of the following criteria: it is a conservative change, it occurs at a poorly conserved position in the protein, it is predicted to be benign by multiple in silico algorithms, and/or has population frequency not consistent with disease.

Ambry Genetics
Classification: Likely benign for Cardiovascular phenotype. Last evaluated: 2015-12-24. Review status: criteria provided, single submitter. Criteria: Ambry Variant Classification Scheme 2023. Collection method: clinical testing. Allele origin: germline.